The following is an entry in ClinVar:

ClinVar aggregate classification (germline): Uncertain significance. Review status: criteria provided, multiple submitters, no conflicts (2 of 4 stars). 2 submissions from 2 submitters: Uncertain significance (2). Last evaluated 2024-06-07.

Conditions:
Inborn genetic diseases. Identifiers: MedGen C0950123, MeSH D030342.

Allele frequency attached by ClinVar (database versions not stated): gnomAD exomes below 0.00001; TOPMed below 0.00001.
gnomAD v4.1: 1 of 1,605,576 alleles (0.000062%); highest among the groups gnomAD compares: African/African-American, 0.0013%; no homozygotes.

Submissions (2):

Ambry Genetics
Classification: Uncertain significance for Inborn genetic diseases. Last evaluated: 2024-06-07. Review status: criteria provided, single submitter. Criteria: Ambry Variant Classification Scheme 2023. Collection method: clinical testing. Allele origin: germline.

GeneDx
Classification: Uncertain significance. Last evaluated: 2022-12-06. Review status: criteria provided, single submitter. Criteria: GeneDx Variant Classification Process June 2021. Collection method: clinical testing. Allele origin: germline. Affected: yes.
Comment: Not observed at significant frequency in large population cohorts (gnomAD); In silico analysis supports that this missense variant does not alter protein structure/function; Has not been previously published as pathogenic or benign to our knowledge

NM_004397.6(DDX6):c.1448C>T (p.Pro483Leu)

Gene: DDX6 (DEAD-box helicase 6; minus strand). Cytogenetic location: 11q23.3.
Variant type: single nucleotide variant.
Coding change: c.1448C>T on transcript NM_004397.6 (MANE Select); coding-DNA position 1448, C replaced by T.
Protein change: p.Pro483Leu; replaces proline 483 with leucine.
Molecular consequence: missense variant.
Genome position (GRCh38, 1-based): chr11:118,754,716, G>A on the plus strand (C>T on the coding strand, the complement: DDX6 is on the minus strand). VCF-style: chr11-118754716-G-A. GRCh37 (hg19) VCF-style: chr11-118625425-G-A.
Other names: c.1448C>T, p.Pro483Leu (NM_001257191.3); c.1448C>T (NM_004397.4); short protein forms P483L.
Identifiers: ClinVar variation 2505034 (VCV002505034.2), dbSNP rs1170463312, ClinGen allele CA382886789.
Genomic context (GRCh38, chr11:118,754,716, plus strand): 5'-GATTTCCCTCATTTAAAGGTTCCTCTTAGCTGTTCTGTCAGGGACGTACATGCTTGTTAA[G>A]GTTTCTCATCTTCTACAGGCTCGCTGTGGTATTCTGCCACATACAGGCTCTTATCAATGT-3'
Protein context (NP_004388.2, residues 473-483): YHSEPVEDEK[Pro483Leu]